The following is an entry in ClinVar:

NM_015378.4(VPS13D):c.10662C>T (p.Asp3554=)

Gene: VPS13D (vacuolar protein sorting 13 homolog D; plus strand). Cytogenetic location: 1p36.22.
Variant type: single nucleotide variant.
Coding change: c.10662C>T on transcript NM_015378.4 (MANE Select); coding-DNA position 10662, C replaced by T.
Protein change: p.Asp3554=; no amino-acid change (aspartic acid 3554 retained).
Molecular consequence: synonymous variant.
Genome position (GRCh38, 1-based): chr1:12,369,556, C>T. VCF-style: chr1-12369556-C-T. GRCh37 (hg19) VCF-style: chr1-12429611-C-T.
Other names: p.Asp3554=; c.10587C>T, p.Asp3529= (NM_018156.4).
Identifiers: ClinVar variation 1266621 (VCV001266621.14), dbSNP rs2295338, ClinGen allele CA603760.

ClinVar aggregate classification (germline): Benign. Review status: criteria provided, multiple submitters, no conflicts (2 of 4 stars). 5 submissions from 5 submitters: Benign (4). 1 of the submissions does not count toward it. Last evaluated 2026-02-03.

Conditions:
VPS13D-related disorder. Also called: VPS13D-related condition.

Allele frequency attached by ClinVar (database versions not stated): gnomAD 0.05730 and 0.05794; TOPMed 0.05811; ESP Exome Variant Server 0.05920; 1000 Genomes Project 0.06470; 1000 Genomes Project 30x 0.06902.
gnomAD v4.1: 64,366 of 1,614,088 alleles (4%); highest among the groups gnomAD compares: African/African-American, 11%; 1,623 homozygotes.

Submissions (5):

Labcorp Genetics (formerly Invitae), Labcorp
Classification: Benign. Last evaluated: 2026-02-03. Review status: criteria provided, single submitter. Criteria: Invitae Variant Classification Sherloc (09022015). Collection method: clinical testing. Allele origin: germline.

Mayo Clinic Laboratories, Mayo Clinic
Classification: Benign. Last evaluated: 2022-03-24. Review status: criteria provided, single submitter. Criteria: ACMG Guidelines, 2015. Collection method: clinical testing. Allele origin: germline. Observed: 140 variant alleles.

GeneDx
Classification: Benign. Last evaluated: 2018-10-08. Review status: criteria provided, single submitter. Criteria: GeneDx Variant Classification Process June 2021. Collection method: clinical testing. Allele origin: germline. Affected: yes.

Breakthrough Genomics
Classification: Benign. Review status: criteria provided, single submitter. Criteria: ACMG Guidelines, 2015. Collection method: not provided. Allele origin: germline. Inheritance: Autosomal recessive inheritance. Affected: yes.

PreventionGenetics, part of Exact Sciences
Classification: Benign for VPS13D-related condition. Last evaluated: 2019-03-11. Review status: no assertion criteria provided. Collection method: clinical testing. Allele origin: germline. Not counted in ClinVar's aggregate classification.
Comment: This variant is classified as benign based on ACMG/AMP sequence variant interpretation guidelines (Richards et al. 2015 PMID: 25741868, with internal and published modifications).